The following is an entry in ClinVar:

NM_001277313.2(FMN1):c.1979G>A (p.Cys660Tyr)

Gene: FMN1 (formin 1; minus strand). Cytogenetic location: 15q13.3.
Variant type: single nucleotide variant.
Coding change: c.1979G>A on transcript NM_001277313.2 (MANE Select); coding-DNA position 1979, G replaced by A.
Protein change: p.Cys660Tyr; replaces cysteine 660 with tyrosine.
Molecular consequence: missense variant.
Genome position (GRCh38, 1-based): chr15:33,088,863, C>T on the plus strand (G>A on the coding strand, the complement: FMN1 is on the minus strand). VCF-style: chr15-33088863-C-T. GRCh37 (hg19) VCF-style: chr15-33381064-C-T.
Other names: short protein forms C660Y.
Identifiers: ClinVar variation 4988441 (VCV004988441.1).

ClinVar aggregate classification (germline): Uncertain significance (1 of 4 stars; one submission).

Conditions:
FMN1-related disorder. Also called: FMN1-related condition.

gnomAD v4.1: 12 of 1,535,906 alleles (0.00078%); highest among the groups gnomAD compares: Non-Finnish European, 0.00078%; no homozygotes.

Submission:

PreventionGenetics, part of Exact Sciences
Classification: Uncertain significance for FMN1-related condition. Last evaluated: 2026-05-11. Review status: criteria provided, single submitter. Criteria: ACMG Guidelines, 2015. Collection method: clinical testing. Allele origin: germline.
Comment: The FMN1 c.1979G>A variant is predicted to result in the amino acid substitution p.Cys660Tyr. To our knowledge, this variant has not been reported in the literature. This variant is reported in 0.0019% of alleles in individuals of European (Non-Finnish) descent in gnomAD. At this time, the clinical significance of this variant is uncertain due to the absence of conclusive functional and genetic evidence.